The following is an entry in ClinVar:

NM_014363.6(SACS):c.2080G>A (p.Ala694Thr)

Gene: SACS (sacsin molecular chaperone; minus strand). Cytogenetic location: 13q12.12.
Variant type: single nucleotide variant.
Coding change: c.2080G>A on transcript NM_014363.6 (MANE Select); coding-DNA position 2080, G replaced by A.
Protein change: p.Ala694Thr; replaces alanine 694 with threonine.
Molecular consequence: missense variant.
Genome position (GRCh38, 1-based): chr13:23,354,532, C>T on the plus strand (G>A on the coding strand, the complement: SACS is on the minus strand). VCF-style: chr13-23354532-C-T. GRCh37 (hg19) VCF-style: chr13-23928671-C-T.
Other names: c.1639G>A, p.Ala547Thr (NM_001278055.2); short protein forms A694T, A547T.
Identifiers: ClinVar variation 240895 (VCV000240895.26), dbSNP rs17325713, ClinGen allele CA6911796.

ClinVar aggregate classification (germline): Benign. Review status: criteria provided, multiple submitters, no conflicts (2 of 4 stars). 12 submissions from 12 submitters: Benign (8). 4 of the submissions do not count toward it. Last evaluated 2026-02-04.

Conditions:
Spastic paraplegia. Identifiers: MedGen C0037772, HP:0001258.
Hereditary spastic paraplegia. Also called: Familial spastic paraparesis. Identifiers: Orphanet 685, MedGen C0037773, MONDO:0019064. Disease mechanism: loss of function.
Charlevoix-Saguenay spastic ataxia (SACS). Also called: Spastic ataxia of Charlevoix-Saguenay; SPASTIC ATAXIA 6, AUTOSOMAL RECESSIVE; AUTOSOMAL RECESSIVE SPASTIC ATAXIA OF CHARLEVOIX-SAGUENAY. Identifiers: Orphanet 98, MedGen C1849140, MONDO:0010041, OMIM 270550.

Allele frequency attached by ClinVar (database versions not stated): 1000 Genomes Project 0.00819; 1000 Genomes Project 30x 0.00843; TOPMed 0.01978; ExAC 0.02332; gnomAD exomes 0.02403 and 0.03240; gnomAD 0.02472 and 0.02528; ESP Exome Variant Server 0.02576.
gnomAD v4.1: 50,740 of 1,613,750 alleles (3.1%); highest among the groups gnomAD compares: Non-Finnish European, 3.7%; 948 homozygotes.

Submissions (12):

Labcorp Genetics (formerly Invitae), Labcorp
Classification: Benign for Spastic paraplegia. Last evaluated: 2026-02-04. Review status: criteria provided, single submitter. Criteria: Invitae Variant Classification Sherloc (09022015). Collection method: clinical testing. Allele origin: germline.

Athena Diagnostics
Classification: Benign. Last evaluated: 2023-11-14. Review status: criteria provided, single submitter. Criteria: Athena Diagnostics Criteria. Collection method: clinical testing. Allele origin: unknown.

Genome Diagnostics Laboratory, The Hospital for Sick Children
Classification: Benign for Hereditary spastic paraplegia. Last evaluated: 2021-10-29. Review status: criteria provided, single submitter. Criteria: ACMG Guidelines, 2015. Collection method: clinical testing. Allele origin: germline. Affected: yes.

GeneDx
Classification: Benign. Last evaluated: 2019-11-13. Review status: criteria provided, single submitter. Criteria: GeneDx Variant Classification Process June 2021. Collection method: clinical testing. Allele origin: germline. Affected: yes.
Comment: This variant is associated with the following publications: (PMID: 23280630, 22287014, 19779133)

Clinical Genetics DNA and cytogenetics Diagnostics Lab, Erasmus MC, Erasmus Medical Center
Classification: Benign for Charlevoix-Saguenay spastic ataxia. Last evaluated: 2015-09-21. Review status: criteria provided, single submitter. Criteria: ACGS Guidelines, 2013. Collection method: clinical testing. Allele origin: germline. Affected: yes. Study: VKGL Data-share Consensus.

Genome Diagnostics Laboratory, University Medical Center Utrecht
Classification: Benign for Charlevoix-Saguenay spastic ataxia. Last evaluated: 2014-10-09. Review status: criteria provided, single submitter. Criteria: ACGS Guidelines, 2013. Collection method: clinical testing. Allele origin: germline. Affected: yes. Study: VKGL Data-share Consensus.

Breakthrough Genomics
Classification: Benign. Review status: criteria provided, single submitter. Criteria: ACMG Guidelines, 2015. Collection method: not provided. Allele origin: germline. Inheritance: Autosomal recessive inheritance. Affected: yes.

PreventionGenetics, part of Exact Sciences
Classification: Benign. Review status: criteria provided, single submitter. Criteria: ACMG Guidelines, 2015. Collection method: clinical testing. Allele origin: germline.

Natera, Inc.
Classification: Benign for Charlevoix-Saguenay type spastic ataxia. Last evaluated: 2020-09-16. Review status: no assertion criteria provided. Collection method: clinical testing. Allele origin: germline. Not counted in ClinVar's aggregate classification.

Mayo Clinic Laboratories, Mayo Clinic
Classification: Likely benign. Last evaluated: 2016-03-08. Review status: no assertion criteria provided. Collection method: clinical testing. Allele origin: unknown. Not counted in ClinVar's aggregate classification.

Joint Genome Diagnostic Labs from Nijmegen and Maastricht, Radboudumc and MUMC+
Classification: Benign. Review status: no assertion criteria provided. Collection method: clinical testing. Allele origin: germline. Affected: yes. Study: VKGL Data-share Consensus. Not counted in ClinVar's aggregate classification.

PROSPAX: an integrated multimodal progression  chart in spastic ataxias, Center for Neurology; Hertie-Institute for Clinical Brain Research
Classification: Likely pathogenic for Charlevoix-Saguenay spastic ataxia. Last evaluated: 2022-01-01. Review status: flagged submission. Criteria: ACMG Guidelines, 2015. Collection method: research. Allele origin: germline. Affected: yes. Not counted in ClinVar's aggregate classification.
ClinVar note: Reason: Outlier claim with insufficient supporting evidence

Literature cited by the submitters: PubMed 22287014 (cited by Athena Diagnostics); PubMed 22411849 (cited by Athena Diagnostics).